The following is an entry in ClinVar:

NM_004260.4(RECQL4):c.3503-7_3509del

Gene: RECQL4 (RecQ like helicase 4; minus strand). Cytogenetic location: 8q24.3.
Variant type: Deletion.
Coding change: c.3503-7_3509del on transcript NM_004260.4 (MANE Select); 7 bases into the intron before coding-DNA position 3503 through coding-DNA position 3509, 14 bases deleted (ACCGTAGGAAGCCC).
Molecular consequence: splice acceptor variant.
Genome position (GRCh38, 1-based): chr8:144,511,549-144,511,562, GGGCTTCCTACGGT deleted on the plus strand (ACCGTAGGAAGCCC on the coding strand, the reverse complement: RECQL4 is on the minus strand); deleting any 14 consecutive bases within chr8:144,511,549-144,511,564 gives the same sequence; the c. name uses the placement nearest the transcript's 3' end. VCF-style (leftmost placement, unchanged base first): chr8-144511548-GGGGCTTCCTACGGT-G. GRCh37 (hg19) VCF-style: chr8-145736931-GGGGCTTCCTACGGT-G.
Identifiers: ClinVar variation 971462 (VCV000971462.6), dbSNP rs1827197544, ClinGen allele CA1139660818.

ClinVar aggregate classification (germline): Uncertain significance (1 of 4 stars; one submission).

Conditions:
Baller-Gerold syndrome (BGS). Also called: CRANIOSYNOSTOSIS WITH RADIAL DEFECTS. Identifiers: Orphanet 1225, MedGen C0265308, MONDO:0009039, OMIM 218600.

Submission:

Labcorp Genetics (formerly Invitae), Labcorp
Classification: Uncertain significance for Baller-Gerold syndrome. Last evaluated: 2019-11-11. Review status: criteria provided, single submitter. Criteria: Invitae Variant Classification Sherloc (09022015). Collection method: clinical testing. Allele origin: germline.
Comment: In summary, the available evidence is currently insufficient to determine the role of this variant in disease. Therefore, it has been classified as a Variant of Uncertain Significance. This variant has not been reported in the literature in individuals with RECQL4-related conditions. This variant is not present in population databases (ExAC no frequency). This variant results in the deletion of part of exon 21 (c.3503-7_3509del) of the RECQL4 gene. While this is not anticipated to result in nonsense mediated decay, it likely alters RNA splicing and results in a disrupted protein product.